The following is an entry in ClinVar:

ClinVar aggregate classification (germline): Uncertain significance (1 of 4 stars; one submission).

Conditions:
Maturity-onset diabetes of the young (MODY). Also called: Maturity onset diabetes mellitus in young. Identifiers: Orphanet 552, MedGen C0342276, MONDO:0018911, HP:0004904.

Submission:

Clinical Genomics, Uppaluri K&H Personalized Medicine Clinic
Classification: Uncertain significance for Maturity-onset diabetes of the young. Review status: criteria provided, single submitter. Criteria: K & H Uppaluri Personalized Medicine Clinic Variant Classification & Assertion Criteria_Updated V.1. Collection method: research. Allele origin: unknown. Inheritance: Autosomal dominant inheritance.
Comment: Potent mutations in HNF4A are associated with poor insulin secretion in response to hyperglycemia. Associated with MODY1. Patients initially respond well to sulfonylureas but eventually become insulin dependent. However, more evidence is required to ascertain the role of this particular variant rs886056699 in MODY, yet.

Literature cited by the submitters: DOI 10.1159/000334532; PubMed 18268044; PubMed 17563455; PubMed 32583173; PubMed 35052457; PubMed 35118593.

NM_175914.5(HNF4A):c.*2707dup

Gene: HNF4A (hepatocyte nuclear factor 4 alpha; plus strand). Cytogenetic location: 20q13.12.
Variant type: Duplication.
Coding change: c.*2707dup on transcript NM_175914.5 (MANE Select); 2707 bases downstream of the stop codon, one base duplicated (T; older notation c.*2707dupT).
Molecular consequence: 3 prime UTR variant.
Genome position (GRCh38, 1-based): chr20:44,432,372, T duplicated. VCF-style (leftmost placement, unchanged base first): chr20-44432371-C-CT. GRCh37 (hg19) VCF-style: chr20-43061011-C-CT.
Other names: c.*2707dup (NM_000457.6, NM_001030003.3, NM_001258355.2 and 3 more transcripts).
Identifiers: ClinVar variation 338485 (VCV000338485.6), dbSNP rs886056699, ClinGen allele CA10653136.